The following is an entry in ClinVar:

NM_001048174.2(MUTYH):c.1442A>C (p.Lys481Thr)

Gene: MUTYH (mutY DNA glycosylase; minus strand). Cytogenetic location: 1p34.1.
Variant type: single nucleotide variant.
Coding change: c.1442A>C on transcript NM_001048174.2 (MANE Select); coding-DNA position 1442, A replaced by C.
Protein change: p.Lys481Thr; replaces lysine 481 with threonine.
Molecular consequence: missense variant. On other transcripts: non-coding transcript variant (7).
Genome position (GRCh38, 1-based): chr1:45,329,430, T>G on the plus strand (A>C on the coding strand, the complement: MUTYH is on the minus strand). VCF-style: chr1-45329430-T-G. GRCh37 (hg19) VCF-style: chr1-45795102-T-G.
Other names: c.1517A>C, p.Lys506Thr (NM_012222.3); c.1442A>C, p.Lys481Thr (NM_001048171.2, NM_001048173.2, NM_001293195.2 and 6 more transcripts); c.1445A>C, p.Lys482Thr (NM_001048172.2, NM_001407071.1, NM_001407078.1 and 1 more transcripts); c.1526A>C, p.Lys509Thr (NM_001128425.2); c.1487A>C, p.Lys496Thr (NM_001293190.2); c.1475A>C, p.Lys492Thr (NM_001293191.2, NM_001407069.1, NM_001407077.1); c.1166A>C, p.Lys389Thr (NM_001293192.2, NM_001293196.2, NM_001407091.1); c.1097A>C, p.Lys366Thr (NM_001350650.2, NM_001350651.2, NM_001407082.1); and 5 more; short protein forms K509T, K389T, K453T, K467T, K468T, K495T, K506T, K366T.
Identifiers: ClinVar variation 4113326 (VCV004113326.1).

ClinVar aggregate classification (germline): Uncertain significance (1 of 4 stars; one submission).

Conditions:
Hereditary cancer-predisposing syndrome. Also called: Tumor predisposition; Neoplastic Syndromes, Hereditary; Hereditary neoplastic syndrome; Hereditary Cancer Syndrome. Identifiers: Orphanet 140162, MedGen C0027672, MeSH D009386, MONDO:0015356.

Submission:

Ambry Genetics
Classification: Uncertain significance for Hereditary cancer-predisposing syndrome. Last evaluated: 2025-08-27. Review status: criteria provided, single submitter. Criteria: Ambry Variant Classification Scheme 2023. Collection method: clinical testing. Allele origin: germline.
Comment: The p.K509T variant (also known as c.1526A>C), located in coding exon 16 of the MUTYH gene, results from an A to C substitution at nucleotide position 1526. The lysine at codon 509 is replaced by threonine, an amino acid with similar properties. This amino acid position is conserved. In addition, the in silico prediction for this alteration is inconclusive. Based on the available evidence, the clinical significance of this variant remains unclear.